The following is an entry in ClinVar:

NM_017552.4(ATAD2B):c.2103T>G (p.Ala701=)

Gene: ATAD2B (ATPase family AAA domain containing 2B; minus strand). Cytogenetic location: 2p23.3.
Variant type: single nucleotide variant.
Coding change: c.2103T>G on transcript NM_017552.4 (MANE Select); coding-DNA position 2103, T replaced by G.
Protein change: p.Ala701=; no amino-acid change (alanine 701 retained).
Molecular consequence: synonymous variant. On other transcripts: non-coding transcript variant (1).
Genome position (GRCh38, 1-based): chr2:23,823,286, A>C on the plus strand (T>G on the coding strand, the complement: ATAD2B is on the minus strand). VCF-style: chr2-23823286-A-C. GRCh37 (hg19) VCF-style: chr2-24046156-A-C.
Other names: c.2103T>G, p.Ala701= (NM_001242338.3); c.2145T>G, p.Ala715= (NM_001354107.2).
Identifiers: ClinVar variation 3898632 (VCV003898632.7).

ClinVar aggregate classification (germline): Likely benign (1 of 4 stars; one submission).

Submission:

CeGaT Center for Human Genetics Tuebingen
Classification: Likely benign. Last evaluated: 2025-04-01. Review status: criteria provided, single submitter. Criteria: CeGaT Center For Human Genetics Tuebingen Variant Classification Criteria Version 2. Collection method: clinical testing. Allele origin: germline. Affected: yes. Observed: 1 variant allele.
Comment: ATAD2B: PM2:Supporting, BP4, BP7